The following is an entry in ClinVar:

ClinVar aggregate classification (germline): Uncertain significance (1 of 4 stars; one submission).

Conditions:
Short stature due to growth hormone secretagogue receptor deficiency (GHDP). Also called: Short stature due to GHSR deficiency. Identifiers: Orphanet 314811, MedGen C5887324, MONDO:0014403, OMIM 615925.

Submission:

Institute of Human Genetics, University of Leipzig Medical Center
Classification: Uncertain significance for Short stature due to growth hormone secretagogue receptor deficiency. Last evaluated: 2024-08-13. Review status: criteria provided, single submitter. Criteria: ACMG Guidelines, 2015. Collection method: clinical testing. Allele origin: unknown. Inheritance: Autosomal dominant inheritance. Affected: yes.
Comment: Criteria applied: PM2

NM_198407.2(GHSR):c.766C>T (p.Gln256Ter)

Gene: GHSR (growth hormone secretagogue receptor; minus strand). Cytogenetic location: 3q26.31.
Variant type: single nucleotide variant.
Coding change: c.766C>T on transcript NM_198407.2 (MANE Select); coding-DNA position 766, C replaced by T.
Protein change: p.Gln256Ter; replaces glutamine 256 with a stop codon.
Molecular consequence: nonsense.
Genome position (GRCh38, 1-based): chr3:172,447,648, G>A on the plus strand (C>T on the coding strand, the complement: GHSR is on the minus strand). VCF-style: chr3-172447648-G-A. GRCh37 (hg19) VCF-style: chr3-172165438-G-A.
Other names: c.766C>T, p.Gln256Ter (NM_004122.2); short protein forms Q256*.
Identifiers: ClinVar variation 3359056 (VCV003359056.2).